The following is an entry in ClinVar:

NM_015164.4(PLEKHM2):c.341A>G (p.Gln114Arg)

Gene: PLEKHM2 (pleckstrin homology and RUN domain containing M2; plus strand). Cytogenetic location: 1p36.21.
Variant type: single nucleotide variant.
Coding change: c.341A>G on transcript NM_015164.4 (MANE Select); coding-DNA position 341, A replaced by G.
Protein change: p.Gln114Arg; replaces glutamine 114 with arginine.
Molecular consequence: missense variant.
Genome position (GRCh38, 1-based): chr1:15,717,956, A>G. VCF-style: chr1-15717956-A-G. GRCh37 (hg19) VCF-style: chr1-16044451-A-G.
Other names: c.341A>G, p.Gln114Arg (NM_001410755.1); short protein forms Q114R.
Identifiers: ClinVar variation 3618202 (VCV003618202.2).
Genomic context (GRCh38, chr1:15,717,956, plus strand): 5'-GTGCCTGGCTGTACCTGGCCCTCAACGAGAACTCCTTGGAGAGCTACCTGCGGTTGTTCC[A>G]GGAGAACCTGGGCCTGCTGCATAAGTACTACGTCAAGTGAGTGTCTGGGACGGTCTGTCT-3'
Protein context (NP_055979.2, residues 104-124): NSLESYLRLF[Gln114Arg]ENLGLLHKYY

ClinVar aggregate classification (germline): Uncertain significance (1 of 4 stars; one submission).

Submission:

Labcorp Genetics (formerly Invitae), Labcorp
Classification: Uncertain significance. Last evaluated: 2024-11-12. Review status: criteria provided, single submitter. Criteria: Invitae Variant Classification Sherloc (09022015). Collection method: clinical testing. Allele origin: germline.
Comment: This sequence change replaces glutamine, which is neutral and polar, with arginine, which is basic and polar, at codon 114 of the PLEKHM2 protein (p.Gln114Arg). The frequency data for this variant in the population databases is considered unreliable, as metrics indicate poor data quality at this position in the gnomAD database. This variant has not been reported in the literature in individuals affected with PLEKHM2-related conditions. An algorithm developed to predict the effect of missense changes on protein structure and function (PolyPhen-2) suggests that this variant is likely to be disruptive. In summary, the available evidence is currently insufficient to determine the role of this variant in disease. Therefore, it has been classified as a Variant of Uncertain Significance.